The following is an entry in ClinVar:

NM_001122752.2(SERPINI1):c.228G>A (p.Met76Ile)

Gene: SERPINI1 (serpin family I member 1; plus strand). Cytogenetic location: 3q26.1.
Variant type: single nucleotide variant.
Coding change: c.228G>A on transcript NM_001122752.2 (MANE Select); coding-DNA position 228, G replaced by A.
Protein change: p.Met76Ile; replaces methionine 76 with isoleucine.
Molecular consequence: missense variant.
Genome position (GRCh38, 1-based): chr3:167,789,356, G>A. VCF-style: chr3-167789356-G-A. GRCh37 (hg19) VCF-style: chr3-167507144-G-A.
Other names: c.228G>A, p.Met76Ile (NM_005025.5); c.228G>A (NM_005025.4); short protein forms M76I.
Identifiers: ClinVar variation 2146271 (VCV002146271.5), dbSNP rs1365019307, ClinGen allele CA355155811.

ClinVar aggregate classification (germline): Uncertain significance. Review status: criteria provided, multiple submitters, no conflicts (2 of 4 stars). 2 submissions from 2 submitters: Uncertain significance (2). Last evaluated 2026-01-05.

Conditions:
Inborn genetic diseases. Identifiers: MedGen C0950123, MeSH D030342.
Familial encephalopathy with neuroserpin inclusion bodies. Also called: ENCEPHALOPATHY, FAMILIAL, WITH COLLINS BODIES. Identifiers: Orphanet 85110, MedGen C1858680, MONDO:0011412, OMIM 604218.

Allele frequency attached by ClinVar (database versions not stated): gnomAD exomes below 0.00001; gnomAD 0.00001.
gnomAD v4.1: 5 of 1,614,012 alleles (0.00031%); highest among the groups gnomAD compares: South Asian, 0.0044%; no homozygotes.

Submissions (2):

Labcorp Genetics (formerly Invitae), Labcorp
Classification: Uncertain significance for Familial encephalopathy with neuroserpin inclusion bodies. Last evaluated: 2026-01-05. Review status: criteria provided, single submitter. Criteria: Invitae Variant Classification Sherloc (09022015). Collection method: clinical testing. Allele origin: germline.
Comment: This sequence change replaces methionine, which is neutral and non-polar, with isoleucine, which is neutral and non-polar, at codon 76 of the SERPINI1 protein (p.Met76Ile). This variant is present in population databases (no rsID available, gnomAD 0.003%). This variant has not been reported in the literature in individuals affected with SERPINI1-related conditions. ClinVar contains an entry for this variant (Variation ID: 2146271). Invitae Evidence Modeling of protein sequence and biophysical properties (such as structural, functional, and spatial information, amino acid conservation, physicochemical variation, residue mobility, and thermodynamic stability) indicates that this missense variant is not expected to disrupt SERPINI1 protein function with a negative predictive value of 80%. In summary, the available evidence is currently insufficient to determine the role of this variant in disease. Therefore, it has been classified as a Variant of Uncertain Significance.

Ambry Genetics
Classification: Uncertain significance for Inborn genetic diseases. Last evaluated: 2022-10-03. Review status: criteria provided, single submitter. Criteria: Ambry Variant Classification Scheme 2023. Collection method: clinical testing. Allele origin: germline.